The following is an entry in ClinVar:

ClinVar aggregate classification (germline): Uncertain significance (1 of 4 stars; one submission).

Submission:

GeneDx
Classification: Uncertain significance. Last evaluated: 2025-03-09. Review status: criteria provided, single submitter. Criteria: GeneDx Variant Classification Process June 2021. Collection method: clinical testing. Allele origin: germline. Affected: yes.
Comment: Not observed at significant frequency in large population cohorts (gnomAD); In silico analysis supports that this missense variant has a deleterious effect on protein structure/function; Has not been previously published as pathogenic or benign to our knowledge

NM_001083619.3(GRIA2):c.2427T>G (p.Ser809Arg)

Gene: GRIA2 (glutamate ionotropic receptor AMPA type subunit 2; plus strand). Cytogenetic location: 4q32.1.
Variant type: single nucleotide variant.
Coding change: c.2427T>G on transcript NM_001083619.3 (MANE Select); coding-DNA position 2427, T replaced by G.
Protein change: p.Ser809Arg; replaces serine 809 with arginine.
Molecular consequence: missense variant.
Genome position (GRCh38, 1-based): chr4:157,362,819, T>G. VCF-style: chr4-157362819-T-G. GRCh37 (hg19) VCF-style: chr4-158283971-T-G.
Other names: c.2427T>G, p.Ser809Arg (NM_000826.6); c.2286T>G, p.Ser762Arg (NM_001083620.3, NM_001379000.3, NM_001379001.3); short protein forms S762R, S809R.
Identifiers: ClinVar variation 4083034 (VCV004083034.1).